The following is an entry in ClinVar:

ClinVar aggregate classification (germline): Uncertain significance (1 of 4 stars; one submission).

gnomAD v4.1: 1 of 1,551,768 alleles (0.000064%); highest among the groups gnomAD compares: Non-Finnish European, 0.000087%; no homozygotes.

Submission:

Greenwood Genetic Center Diagnostic Laboratories, Greenwood Genetic Center
Classification: Uncertain significance. Last evaluated: 2024-08-15. Review status: criteria provided, single submitter. Criteria: ACMG Guidelines, 2015. Collection method: clinical testing. Allele origin: germline. Affected: yes.
Comment: PM2

NM_020928.2(ZSWIM6):c.3004C>T (p.Leu1002Phe)

Gene: ZSWIM6 (zinc finger SWIM-type containing 6; plus strand). Cytogenetic location: 5q12.1.
Variant type: single nucleotide variant.
Coding change: c.3004C>T on transcript NM_020928.2 (MANE Select); coding-DNA position 3004, C replaced by T.
Protein change: p.Leu1002Phe; replaces leucine 1002 with phenylalanine.
Molecular consequence: missense variant.
Genome position (GRCh38, 1-based): chr5:61,543,673, C>T. VCF-style: chr5-61543673-C-T. GRCh37 (hg19) VCF-style: chr5-60839500-C-T.
Other names: short protein forms L1002F.
Identifiers: ClinVar variation 3765592 (VCV003765592.1).
Genomic context (GRCh38, chr5:61,543,673, plus strand): 5'-ACACTTGCACTGCAGTGTGCCATGAAGGATCCACAGAACTGTGCCCTCTCTGCGCTAACC[C>T]TTTGTGAAAAGGATCACATAGCTTTTGAGACGGCGTACCAAATTGTTCTCGACGCTGCTA-3'
Protein context (NP_065979.1, residues 992-1012): PQNCALSALT[Leu1002Phe]CEKDHIAFET